The following is an entry in ClinVar:

NM_001205293.3(CACNA1E):c.1639-11T>G

Gene: CACNA1E (calcium voltage-gated channel subunit alpha1 E; plus strand). Cytogenetic location: 1q25.3.
Variant type: single nucleotide variant.
Coding change: c.1639-11T>G on transcript NM_001205293.3 (MANE Select); 11 bases into the intron before coding-DNA position 1639, T replaced by G.
Molecular consequence: intron variant.
Genome position (GRCh38, 1-based): chr1:181,719,740, T>G. VCF-style: chr1-181719740-T-G. GRCh37 (hg19) VCF-style: chr1-181688876-T-G.
Other names: c.1639-11T>G (NM_000721.4, NM_001205294.2).
Identifiers: ClinVar variation 4718157 (VCV004718157.1).

ClinVar aggregate classification (germline): Uncertain significance (1 of 4 stars; one submission).

Submission:

Labcorp Genetics (formerly Invitae), Labcorp
Classification: Uncertain significance. Last evaluated: 2025-04-23. Review status: criteria provided, single submitter. Criteria: Invitae Variant Classification Sherloc (09022015). Collection method: clinical testing. Allele origin: germline.
Comment: This sequence change falls in intron 12 of the CACNA1E gene. It does not directly change the encoded amino acid sequence of the CACNA1E protein. This variant is not present in population databases (gnomAD no frequency). This variant has not been reported in the literature in individuals affected with CACNA1E-related conditions. Algorithms developed to predict the effect of sequence changes on RNA splicing suggest that this variant may disrupt the consensus splice site. In summary, the available evidence is currently insufficient to determine the role of this variant in disease. Therefore, it has been classified as a Variant of Uncertain Significance.